The following is an entry in ClinVar:

NM_000834.5(GRIN2B):c.1588A>G (p.Ile530Val)

Gene: GRIN2B (glutamate ionotropic receptor NMDA type subunit 2B; minus strand). Cytogenetic location: 12p13.1.
Variant type: single nucleotide variant.
Coding change: c.1588A>G on transcript NM_000834.5 (MANE Select); coding-DNA position 1588, A replaced by G.
Protein change: p.Ile530Val; replaces isoleucine 530 with valine.
Molecular consequence: missense variant.
Genome position (GRCh38, 1-based): chr12:13,615,180, T>C on the plus strand (A>G on the coding strand, the complement: GRIN2B is on the minus strand). VCF-style: chr12-13615180-T-C. GRCh37 (hg19) VCF-style: chr12-13768114-T-C.
Other names: c.1588A>G, p.Ile530Val (NM_001413992.1); short protein forms I530V.
Identifiers: ClinVar variation 3756579 (VCV003756579.2).

ClinVar aggregate classification (germline): Uncertain significance (1 of 4 stars; one submission).

Conditions:
Developmental and epileptic encephalopathy, 27 (DEE27). Also called: Epileptic encephalopathy, early infantile, 27; GRIN2B-Related Neurodevelopmental Disorder. Identifiers: Orphanet 3451, MedGen C4015316, MONDO:0014505, OMIM 616139.
Intellectual developmental disorder, autosomal dominant 6, with or without seizures. Also called: Intellectual disability, autosomal dominant 6; GRIN2B-related developmental delay, intellectual disability and autism spectrum disorder. Identifiers: Orphanet 589547, MedGen C3151411, MONDO:0013509, OMIM 613970.

Submission:

Labcorp Genetics (formerly Invitae), Labcorp
Classification: Uncertain significance for Developmental and epileptic encephalopathy, 27; Intellectual developmental disorder, autosomal dominant 6, with or without seizures. Last evaluated: 2024-05-28. Review status: criteria provided, single submitter. Criteria: Invitae Variant Classification Sherloc (09022015). Collection method: clinical testing. Allele origin: germline.
Comment: This sequence change replaces isoleucine, which is neutral and non-polar, with valine, which is neutral and non-polar, at codon 530 of the GRIN2B protein (p.Ile530Val). This variant is not present in population databases (gnomAD no frequency). This variant has not been reported in the literature in individuals affected with GRIN2B-related conditions. Advanced modeling of protein sequence and biophysical properties (such as structural, functional, and spatial information, amino acid conservation, physicochemical variation, residue mobility, and thermodynamic stability) performed at Invitae indicates that this missense variant is not expected to disrupt GRIN2B protein function with a negative predictive value of 95%. In summary, the available evidence is currently insufficient to determine the role of this variant in disease. Therefore, it has been classified as a Variant of Uncertain Significance.